The following is an entry in ClinVar:

ClinVar aggregate classification (germline): Uncertain significance (1 of 4 stars; one submission).

Submission:

GeneDx
Classification: Uncertain significance. Last evaluated: 2019-08-02. Review status: criteria provided, single submitter. Criteria: GeneDx Variant Classification Process June 2021. Collection method: clinical testing. Allele origin: germline. Affected: yes.
Comment: In silico analysis, which includes protein predictors and evolutionary conservation, supports a deleterious effect; Has not been previously published as pathogenic or benign to our knowledge; Not observed in large population cohorts (Lek et al., 2016)

NM_002444.3(MSN):c.1331A>G (p.Glu444Gly)

Gene: MSN (moesin; plus strand). Cytogenetic location: Xq12.
Variant type: single nucleotide variant.
Coding change: c.1331A>G on transcript NM_002444.3 (MANE Select); coding-DNA position 1331, A replaced by G.
Protein change: p.Glu444Gly; replaces glutamic acid 444 with glycine.
Molecular consequence: missense variant.
Genome position (GRCh38, 1-based): chrX:65,738,604, A>G. VCF-style: chrX-65738604-A-G. GRCh37 (hg19) VCF-style: chrX-64958466-A-G.
Other names: short protein forms E444G.
Identifiers: ClinVar variation 1307652 (VCV001307652.2), dbSNP rs2147520239, ClinGen allele CA413413793.